The following is an entry in ClinVar:

NM_201384.3(PLEC):c.3731T>G (p.Val1244Gly)

Gene: PLEC (plectin; minus strand). Cytogenetic location: 8q24.3.
Variant type: single nucleotide variant.
Coding change: c.3731T>G on transcript NM_201384.3 (MANE Select); coding-DNA position 3731, T replaced by G.
Protein change: p.Val1244Gly; replaces valine 1244 with glycine.
Molecular consequence: missense variant.
Genome position (GRCh38, 1-based): chr8:143,927,435, A>C on the plus strand (T>G on the coding strand, the complement: PLEC is on the minus strand). VCF-style: chr8-143927435-A-C. GRCh37 (hg19) VCF-style: chr8-145001603-A-C.
Other names: p.Val1230Gly; c.3812T>G, p.Val1271Gly (NM_000445.5); c.3689T>G, p.Val1230Gly (NM_201378.4); c.3665T>G, p.Val1222Gly (NM_201379.3); c.4142T>G, p.Val1381Gly (NM_201380.4); c.3635T>G, p.Val1212Gly (NM_201381.3); c.3731T>G, p.Val1244Gly (NM_201382.4); c.3743T>G, p.Val1248Gly (NM_201383.3); short protein forms V1212G, V1222G, V1230G, V1244G, V1248G, V1271G, V1381G.
Identifiers: ClinVar variation 196105 (VCV000196105.50), dbSNP rs187648086, ClinGen allele CA242919.
Genomic context (GRCh38, chr8:143,927,435, plus strand): 5'-GCCCAGCCGCCCCGTCCCCACCGACCCAAGCCCACCTGCTCCTGCCGCAGCTGCTCCCGC[A>C]CAGCCTGGCTGTCGGCCAGCGGCATGGCCTGGATCTGCTCCTGCCGCCGCCTGGCGTCCT-3'
Protein context (NP_958786.1, residues 1234-1254): QAMPLADSQA[Val1244Gly]REQLRQEQAL

ClinVar aggregate classification (germline): Conflicting classifications of pathogenicity. Review status: criteria provided, conflicting classifications (1 of 4 stars). 9 submissions from 9 submitters: Uncertain significance (2); Likely benign (7). Last evaluated 2026-05-01.

Conditions:
PLEC-related disorder. Also called: PLEC-related disorders; PLEC-related condition.
Junctional epidermolysis bullosa with pyloric atresia. Also called: ITGB4-Related Epidermolysis Bullosa with Pyloric Atresia; APLASIA CUTIS CONGENITA WITH GASTROINTESTINAL ATRESIA; CARMI SYNDROME; EB-PA-ACC; EPIDERMOLYSIS BULLOSA, JUNCTIONAL 5B, WITH PYLORIC ATRESIA; Epidermolysis bullosa, junctional, with pyloric atresia and aplasia cutis congenita. Identifiers: Orphanet 79403, MedGen C5676875, MONDO:0009183, OMIM 226730.
Epidermolysis bullosa simplex, Ogna type (EBS5A). Also called: Pidermolysis bullosa simplex 5A, Ogna type; EPIDERMOLYSIS BULLOSA SIMPLEX 5A, OGNA TYPE. Identifiers: Orphanet 79401, MedGen C0432317, MONDO:0007555, OMIM 131950.
Epidermolysis bullosa simplex 5C, with pyloric atresia (EBS5C). Also called: PLEC-Related Epidermolysis Bullosa with Pyloric Atresia; Epidermolysis bullosa simplex with pyloric atresia; PLEC1-Related Epidermolysis Bullosa with Pyloric Atresia. Identifiers: Orphanet 158684, MedGen C2677349, MONDO:0012807, OMIM 612138.
Autosomal recessive limb-girdle muscular dystrophy type 2Q (LGMDR17). Also called: MUSCULAR DYSTROPHY, LIMB-GIRDLE, AUTOSOMAL RECESSIVE 17. Identifiers: Orphanet 254361, MedGen C3150989, MONDO:0013390, OMIM 613723.
Epidermolysis bullosa simplex with nail dystrophy (EBS5D). Identifiers: MedGen C4225309, MONDO:0014661, OMIM 616487.
Epidermolysis bullosa simplex 5B, with muscular dystrophy (EBS5B). Also called: EPIDERMOLYSIS BULLOSA SIMPLEX AND LIMB-GIRDLE MUSCULAR DYSTROPHY; Epidermolysis bullosa simplex with muscular dystrophy. Identifiers: Orphanet 257, MedGen C2931072, MONDO:0009181, OMIM 226670.

Allele frequency attached by ClinVar (database versions not stated): 1000 Genomes Project 0.00040; 1000 Genomes Project 30x 0.00062; gnomAD exomes 0.00071 and 0.00156; ExAC 0.00080; gnomAD 0.00089; TOPMed 0.00095; ESP Exome Variant Server 0.00130.
gnomAD v4.1: 2,462 of 1,600,688 alleles (0.15%); highest among the groups gnomAD compares: Non-Finnish European, 0.19%; 4 homozygotes.

Submissions (9):

CeGaT Center for Human Genetics Tuebingen
Classification: Likely benign. Last evaluated: 2026-05-01. Review status: criteria provided, single submitter. Criteria: CeGaT Center For Human Genetics Tuebingen Variant Classification Criteria Version 2. Collection method: clinical testing. Allele origin: germline. Affected: yes. Observed: 9 variant alleles.
Comment: PLEC: BP4

Labcorp Genetics (formerly Invitae), Labcorp
Classification: Likely benign for Autosomal recessive limb-girdle muscular dystrophy type 2Q; Epidermolysis bullosa simplex, Ogna type; Epidermolysis bullosa simplex with nail dystrophy; Epidermolysis bullosa simplex 5C, with pyloric atresia; Epidermolysis bullosa simplex 5B, with muscular dystrophy. Last evaluated: 2026-01-21. Review status: criteria provided, single submitter. Criteria: Invitae Variant Classification Sherloc (09022015). Collection method: clinical testing. Allele origin: germline.

PreventionGenetics, part of Exact Sciences
Classification: Likely benign for PLEC-related condition. Last evaluated: 2025-07-30. Review status: criteria provided, single submitter. Criteria: ACMG Guidelines, 2015. Collection method: clinical testing. Allele origin: germline.
Comment: This variant is classified as likely benign based on ACMG/AMP sequence variant interpretation guidelines (Richards et al. 2015 PMID: 25741868, with internal and published modifications).

Revvity Omics, Revvity
Classification: Likely benign. Last evaluated: 2025-06-19. Review status: criteria provided, single submitter. Criteria: ACMG Guidelines, 2015. Collection method: clinical testing. Allele origin: germline.

Mayo Clinic Laboratories, Mayo Clinic
Classification: Likely benign. Last evaluated: 2025-06-09. Review status: criteria provided, single submitter. Criteria: ACMG Guidelines, 2015. Collection method: clinical testing. Allele origin: germline. Observed: 3 variant alleles.
Comment: BS1, BP4

Blueprint Genetics
Classification: Likely benign. Last evaluated: 2024-10-30. Review status: criteria provided, single submitter. Criteria: ACMG Guidelines, 2015. Collection method: clinical testing. Allele origin: germline.

Department of Pathology and Laboratory Medicine, Sinai Health System
Classification: Uncertain significance for Epidermolysis bullosa simplex, Ogna type; Epidermolysis bullosa simplex 5B, with muscular dystrophy; Junctional epidermolysis bullosa with pyloric atresia; Epidermolysis bullosa simplex 5C, with pyloric atresia; Autosomal recessive limb-girdle muscular dystrophy type 2Q; Epidermolysis bullosa simplex with nail dystrophy. Last evaluated: 2022-05-17. Review status: criteria provided, single submitter. Criteria: ACMG Guidelines, 2015. Collection method: research. Allele origin: germline.

GeneDx
Classification: Likely benign. Last evaluated: 2016-10-05. Review status: criteria provided, single submitter. Criteria: GeneDx Variant Classification (06012015). Collection method: clinical testing. Allele origin: germline. Affected: yes.
Comment: This variant is considered likely benign or benign based on one or more of the following criteria: it is a conservative change, it occurs at a poorly conserved position in the protein, it is predicted to be benign by multiple in silico algorithms, and/or has population frequency not consistent with disease.

Eurofins Ntd Llc (ga)
Classification: Uncertain significance. Last evaluated: 2015-07-06. Review status: criteria provided, single submitter. Criteria: EGL Classification Definitions 2015. Collection method: clinical testing. Allele origin: germline. Observed: 5 variant alleles, 5 heterozygotes.

Literature cited by the submitters: PubMed 32707200 (cited by Mayo Clinic Laboratories, Mayo Clinic).